The following is an entry in ClinVar:

ClinVar aggregate classification (germline): Pathogenic. Review status: criteria provided, multiple submitters, no conflicts (2 of 4 stars). 12 submissions from 12 submitters: Pathogenic (12). Last evaluated 2024-02-01.

Conditions:
Inborn genetic diseases. Identifiers: MedGen C0950123, MeSH D030342.
ADNP-related multiple congenital anomalies - intellectual disability - autism spectrum disorder. Also called: Helsmoortel-Van der Aa Syndrome; ADNP-Related Helsmoortel-Van der Aa Syndrome. Identifiers: Orphanet 404448, MedGen C4014538, MONDO:0014379, OMIM 615873. Disease mechanism: loss of function.
ADNP-related disorder. Also called: ADNP-related condition.

Submissions (12):

CeGaT Center for Human Genetics Tuebingen
Classification: Pathogenic. Last evaluated: 2024-02-01. Review status: criteria provided, single submitter. Criteria: CeGaT Center For Human Genetics Tuebingen Variant Classification Criteria Version 2. Collection method: clinical testing. Allele origin: germline. Affected: yes. Observed: 2 variant alleles.
Comment: ADNP: PS2, PVS1:Strong, PM2, PS4:Moderate

GeneDx
Classification: Pathogenic. Last evaluated: 2024-01-19. Review status: criteria provided, single submitter. Criteria: GeneDx Variant Classification Process June 2021. Collection method: clinical testing. Allele origin: germline. Affected: yes.
Comment: Frameshift variant predicted to result in abnormal protein length as the last 923 amino acids are replaced with 16 different amino acids, and other similar variants have been reported in HGMD; Not observed at significant frequency in large population cohorts (gnomAD); This variant is associated with the following publications: (PMID: 29724491, 31029150, 35904121, 33860439, 35982159, 31785789, 36474027, 32758449, 31526516, Aspromonte2023[pre-print], 36553633, 28221363)

Labcorp Genetics (formerly Invitae), Labcorp
Classification: Pathogenic. Last evaluated: 2023-11-27. Review status: criteria provided, single submitter. Criteria: Invitae Variant Classification Sherloc (09022015). Collection method: clinical testing. Allele origin: germline.
Comment: This sequence change creates a premature translational stop signal (p.Val180Glyfs*17) in the ADNP gene. While this is not anticipated to result in nonsense mediated decay, it is expected to disrupt the last 923 amino acid(s) of the ADNP protein. This variant is not present in population databases (gnomAD no frequency). This premature translational stop signal has been observed in individual(s) with clinical features of Helsmoortel-Van der Aa syndrome (PMID: 28675391, 31029150). ClinVar contains an entry for this variant (Variation ID: 373314). This variant disrupts a region of the ADNP protein in which other variant(s) (p.Tyr719*) have been determined to be pathogenic (PMID: 28221363, 28708303, 29911927). This suggests that this is a clinically significant region of the protein, and that variants that disrupt it are likely to be disease-causing. For these reasons, this variant has been classified as Pathogenic.

Blueprint Genetics
Classification: Pathogenic for ADNP-related disorders. Last evaluated: 2022-10-07. Review status: criteria provided, single submitter. Criteria: ACMG Guidelines, 2015. Collection method: clinical testing. Allele origin: de novo. Affected: yes. Observed: 2 variant alleles.

Daryl Scott Lab, Baylor College of Medicine
Classification: Pathogenic for ADNP-related multiple congenital anomalies - intellectual disability - autism spectrum disorder. Last evaluated: 2022-02-01. Review status: criteria provided, single submitter. Criteria: ACMG Guidelines, 2015. Collection method: clinical testing. Allele origin: de novo. Affected: yes. Observed: 1 variant allele.

Institute of Medical Genetics and Applied Genomics, University Hospital Tübingen
Classification: Pathogenic. Last evaluated: 2020-10-23. Review status: criteria provided, single submitter. Criteria: ACMG Guidelines, 2015. Collection method: clinical testing. Allele origin: germline. Inheritance: Autosomal dominant inheritance. Affected: yes.

Laboratoire de Génétique Moléculaire, CHU Bordeaux
Classification: Pathogenic for ADNP-related multiple congenital anomalies - intellectual disability - autism spectrum disorder. Last evaluated: 2020-05-28. Review status: criteria provided, single submitter. Criteria: ACMG Guidelines, 2015. Collection method: clinical testing. Allele origin: germline. Affected: yes.

Illumina Laboratory Services, Illumina
Classification: Pathogenic for Helsmoortel-Van der Aa Syndrome. Last evaluated: 2020-02-27. Review status: criteria provided, single submitter. Criteria: ICSLVariantClassificationCriteria RUGD 01 April 2020. Collection method: clinical testing. Allele origin: unknown.
Comment: The ADNP c.539_542delTTAG (p.Val180GlyfsTer17) variant is a frameshift variant that has been identified in one study, in which it is found in a de novo heterozygous state in one individual with ADNP-related neurodevelopmental disorder (Bend et al. 2019). The p.Val180GlyfsTer17 variant is not found in the Genome Aggregation Database in a region of good sequence coverage, so the variant is presumed to be rare. Based on the potential impact of truncating variants in this gene, its rarity, its identification in a patient in the literature, and application of the ACMG criteria, the p.Val180GlyfsTer17 variant is classified as pathogenic for ADNP-related neurodevelopmental disorder.

Mendelics
Classification: Pathogenic for ADNP-related multiple congenital anomalies - intellectual disability - autism spectrum disorder. Last evaluated: 2019-05-28. Review status: criteria provided, single submitter. Criteria: Mendelics Assertion Criteria 2017. Collection method: clinical testing. Allele origin: unknown.

Undiagnosed Diseases Network, NIH
Classification: Pathogenic for ADNP-related multiple congenital anomalies - intellectual disability - autism spectrum disorder. Last evaluated: 2017-08-02. Review status: criteria provided, single submitter. Criteria: ACMG Guidelines, 2015. Collection method: clinical testing. Allele origin: de novo. Inheritance: Autosomal dominant inheritance. Affected: yes. Observed: 1 variant allele, 1 heterozygote. Study: Undiagnosed Diseases Network (NIH), UDN.

Ambry Genetics
Classification: Pathogenic for Inborn genetic diseases. Last evaluated: 2015-06-10. Review status: criteria provided, single submitter. Criteria: Ambry exome assertion method (8-5-2015). Collection method: clinical testing. Allele origin: germline. Affected: yes. Observed: 1 variant allele.

Laboratory of Medical Genetics, University of Torino
Classification: Pathogenic for ADNP-related multiple congenital anomalies - intellectual disability - autism spectrum disorder. Review status: criteria provided, single submitter. Criteria: ACMG Guidelines, 2015. Collection method: clinical testing. Allele origin: unknown. Affected: yes.

Literature cited by the submitters: PubMed 28675391 (cited by Labcorp Genetics (formerly Invitae), Labcorp); PubMed 31029150 (cited by Labcorp Genetics (formerly Invitae), Labcorp and Illumina Laboratory Services, Illumina); PubMed 28221363 (cited by Labcorp Genetics (formerly Invitae), Labcorp); PubMed 28708303 (cited by Labcorp Genetics (formerly Invitae), Labcorp); PubMed 29911927 (cited by Labcorp Genetics (formerly Invitae), Labcorp); PubMed 36474027 (cited by Daryl Scott Lab, Baylor College of Medicine).

NM_001282531.3(ADNP):c.539_542del (p.Val180fs)

Gene: ADNP (activity dependent neuroprotector homeobox; minus strand). Cytogenetic location: 20q13.13.
Variant type: Deletion.
Coding change: c.539_542del on transcript NM_001282531.3 (MANE Select); coding-DNA positions 539 to 542, 4 bases deleted (TTAG; older notation c.539_542delTTAG).
Protein change: p.Val180fs; shifts the reading frame from valine 180.
Molecular consequence: frameshift variant.
Genome position (GRCh38, 1-based): chr20:50,894,172-50,894,175, CTAA deleted on the plus strand (TTAG on the coding strand, the reverse complement: ADNP is on the minus strand); deleting any 4 consecutive bases within chr20:50,894,172-50,894,178 gives the same sequence; the c. name uses the placement nearest the transcript's 3' end. VCF-style (leftmost placement, unchanged base first): chr20-50894171-CCTAA-C. GRCh37 (hg19) VCF-style: chr20-49510708-CCTAA-C.
Other names: c.539_542del (NM_001282531.2); c.539_542del, p.Val180fs (NM_001282532.2, NM_001347511.2, NM_015339.5 and 1 more transcripts); c.539_542delTTAG (NM_015339.2); short protein forms V180fs.
Identifiers: ClinVar variation 373314 (VCV000373314.60), dbSNP rs1057518345, ClinGen allele CA16043107.